The following is an entry in ClinVar:

ClinVar aggregate classification (germline): Conflicting classifications of pathogenicity. Review status: criteria provided, conflicting classifications (1 of 4 stars). 2 submissions from 2 submitters: Uncertain significance (1); Likely benign (1). Last evaluated 2024-06-28.

Conditions:
CHARGE syndrome (CHARGE). Also called: Hittner Hirsch Kreh syndrome; CHARGE ASSOCIATION--COLOBOMA, HEART ANOMALY, CHOANAL ATRESIA, RETARDATION, GENITAL AND EAR ANOMALIES; Coloboma, heart anomaly, choanal atresia, retardation, genital and ear anomalies; CHARGE association; Hall-Hittner syndrome. Identifiers: Orphanet 138, MedGen C0265354, MONDO:0008965.

gnomAD v4.1: 4 of 1,613,690 alleles (0.00025%); highest among the groups gnomAD compares: African/African-American, 0.0013%; no homozygotes.

Submissions (2):

Labcorp Genetics (formerly Invitae), Labcorp
Classification: Likely benign for CHARGE syndrome. Last evaluated: 2024-06-28. Review status: criteria provided, single submitter. Criteria: Invitae Variant Classification Sherloc (09022015). Collection method: clinical testing. Allele origin: germline.

GeneDx
Classification: Uncertain significance. Last evaluated: 2024-05-17. Review status: criteria provided, single submitter. Criteria: GeneDx Variant Classification Process June 2021. Collection method: clinical testing. Allele origin: germline. Affected: yes.
Comment: Not observed at significant frequency in large population cohorts (gnomAD); In silico analysis indicates that this variant does not alter splicing; Has not been previously published as pathogenic or benign to our knowledge

NM_017780.4(CHD7):c.4090C>T (p.Leu1364=)

Gene: CHD7 (chromodomain helicase DNA binding protein 7; plus strand). Cytogenetic location: 8q12.2.
Variant type: single nucleotide variant.
Coding change: c.4090C>T on transcript NM_017780.4 (MANE Select); coding-DNA position 4090, C replaced by T.
Protein change: p.Leu1364=; no amino-acid change (leucine 1364 retained).
Molecular consequence: synonymous variant. On other transcripts: intron variant (1).
Genome position (GRCh38, 1-based): chr8:60,836,917, C>T. VCF-style: chr8-60836917-C-T. GRCh37 (hg19) VCF-style: chr8-61749476-C-T.
Other names: c.1717-25312C>T (NM_001316690.1).
Identifiers: ClinVar variation 3378299 (VCV003378299.3).
Genomic context (GRCh38, chr8:60,836,917, plus strand): 5'-CTCCGCCAGGCAGCTATCGACAGATTCTCCAAACCTGATTCTGATAGGTTTGTTTTCCTC[C>T]TGTGTACAAGGGCAGGAGGTTTAGGCATTAACCTCACTGCTGCTGATACCTGCATCATCT-3'
Protein context (NP_060250.2, residues 1354-1374): KPDSDRFVFL[Leu1364=]CTRAGGLGIN